The following is an entry in ClinVar:

NM_001128178.3(NPHP1):c.1097T>C (p.Ile366Thr)

Genes: NPHP1 (nephrocystin 1; minus strand), LOC126806306 (P300/CBP strongly-dependent group 1 enhancer GRCh37_chr2:110906815-110908014; plus strand). Cytogenetic location: 2q13.
Variant type: single nucleotide variant.
Coding change: c.1097T>C on transcript NM_001128178.3 (MANE Select); coding-DNA position 1097, T replaced by C.
Protein change: p.Ile366Thr; replaces isoleucine 366 with threonine.
Molecular consequence: missense variant.
Genome position (GRCh38, 1-based): chr2:110,150,243, A>G on the plus strand (T>C on the coding strand, the complement: NPHP1 is on the minus strand). VCF-style: chr2-110150243-A-G. GRCh37 (hg19) VCF-style: chr2-110907820-A-G.
Other names: c.1265T>C, p.Ile422Thr (NM_000272.5); c.1265T>C (NM_000272.3); c.908T>C, p.Ile303Thr (NM_001128179.3); c.1094T>C, p.Ile365Thr (NM_001374256.1); c.1097T>C, p.Ile366Thr (NM_001374257.1); c.1262T>C, p.Ile421Thr (NM_207181.4); short protein forms I422T, I365T, I421T, I303T, I366T.
Identifiers: ClinVar variation 2083985 (VCV002083985.2), dbSNP rs2104505839, ClinGen allele CA348088166.

ClinVar aggregate classification (germline): Uncertain significance. Review status: criteria provided, multiple submitters, no conflicts (2 of 4 stars). 2 submissions from 2 submitters: Uncertain significance (2). Last evaluated 2026-04-27.

Conditions:
NPHP1-related disorder. Also called: NPHP1-related condition; NPHP1-related disorders.
Nephronophthisis. Also called: Juvenile Nephronophthisis. Identifiers: Orphanet 655, MedGen C0687120, MONDO:0019005, HP:0000090.

Allele frequency attached by ClinVar (database versions not stated): gnomAD exomes below 0.00001.
gnomAD v4.1: 2 of 1,613,912 alleles (0.00012%); highest among the groups gnomAD compares: Non-Finnish European, 0.00017%; no homozygotes.

Submissions (2):

PreventionGenetics, part of Exact Sciences
Classification: Uncertain significance for NPHP1-related condition. Last evaluated: 2026-04-27. Review status: criteria provided, single submitter. Criteria: ACMG Guidelines, 2015. Collection method: clinical testing. Allele origin: germline.
Comment: The NPHP1 c.1265T>C variant is predicted to result in the amino acid substitution p.Ile422Thr. To our knowledge, this variant has not been reported in the literature or in a large population database (gnomAD), indicating this variant is rare. At this time, the clinical significance of this variant is uncertain due to the absence of conclusive functional and genetic evidence.

Labcorp Genetics (formerly Invitae), Labcorp
Classification: Uncertain significance for Nephronophthisis. Last evaluated: 2022-05-10. Review status: criteria provided, single submitter. Criteria: Invitae Variant Classification Sherloc (09022015). Collection method: clinical testing. Allele origin: germline.
Comment: This sequence change replaces isoleucine, which is neutral and non-polar, with threonine, which is neutral and polar, at codon 422 of the NPHP1 protein (p.Ile422Thr). This variant is not present in population databases (gnomAD no frequency). This variant has not been reported in the literature in individuals affected with NPHP1-related conditions. Algorithms developed to predict the effect of missense changes on protein structure and function (SIFT, PolyPhen-2, Align-GVGD) all suggest that this variant is likely to be disruptive. In summary, the available evidence is currently insufficient to determine the role of this variant in disease. Therefore, it has been classified as a Variant of Uncertain Significance.